The following is an entry in ClinVar:

NM_001375524.1(TRRAP):c.11130A>C (p.Leu3710Phe)

Gene: TRRAP (transformation/transcription domain associated protein; plus strand). Cytogenetic location: 7q22.1.
Variant type: single nucleotide variant.
Coding change: c.11130A>C on transcript NM_001375524.1 (MANE Select); coding-DNA position 11130, A replaced by C.
Protein change: p.Leu3710Phe; replaces leucine 3710 with phenylalanine.
Molecular consequence: missense variant.
Genome position (GRCh38, 1-based): chr7:99,011,243, A>C. VCF-style: chr7-99011243-A-C. GRCh37 (hg19) VCF-style: chr7-98608866-A-C.
Other names: c.11088A>C, p.Leu3696Phe (NM_001244580.2); c.11001A>C, p.Leu3667Phe (NM_003496.4); short protein forms L3667F, L3696F, L3710F.
Identifiers: ClinVar variation 3360160 (VCV003360160.1).
Genomic context (GRCh38, chr7:99,011,243, plus strand): 5'-GGCTCTGATAGGCTTCGCGGAATTCGTCCTGCATTTAAATAGACTCAACCCCGAGATGTT[A>C]CAGATCGCTCAGGTAACCTGCTTTGAACAGCCAGATCCTCTCCTCGTGACATCGCCTTTC-3'
Protein context (NP_001362453.1, residues 3700-3720): LHLNRLNPEM[Leu3710Phe]QIAQDTGKLN

ClinVar aggregate classification (germline): Uncertain significance (1 of 4 stars; one submission).

Submission:

GeneDx
Classification: Uncertain significance. Last evaluated: 2023-06-20. Review status: criteria provided, single submitter. Criteria: GeneDx Variant Classification Process June 2021. Collection method: clinical testing. Allele origin: germline. Affected: yes.
Comment: Not observed at significant frequency in large population cohorts (gnomAD); In silico analysis supports that this missense variant does not alter protein structure/function; Has not been previously published as pathogenic or benign to our knowledge